The following is an entry in ClinVar:

NM_017433.5(MYO3A):c.2373T>A (p.Asp791Glu)

Gene: MYO3A (myosin IIIA; plus strand). Cytogenetic location: 10p12.1.
Variant type: single nucleotide variant.
Coding change: c.2373T>A on transcript NM_017433.5 (MANE Select); coding-DNA position 2373, T replaced by A.
Protein change: p.Asp791Glu; replaces aspartic acid 791 with glutamic acid.
Molecular consequence: missense variant.
Genome position (GRCh38, 1-based): chr10:26,143,558, T>A. VCF-style: chr10-26143558-T-A. GRCh37 (hg19) VCF-style: chr10-26432487-T-A.
Other names: short protein forms D791E.
Identifiers: ClinVar variation 1470582 (VCV001470582.8), dbSNP rs1840289762, ClinGen allele CA376334671.

ClinVar aggregate classification (germline): Uncertain significance (1 of 4 stars; one submission).

Submission:

Labcorp Genetics (formerly Invitae), Labcorp
Classification: Uncertain significance. Last evaluated: 2021-04-23. Review status: criteria provided, single submitter. Criteria: Invitae Variant Classification Sherloc (09022015). Collection method: clinical testing. Allele origin: germline.
Comment: In summary, the available evidence is currently insufficient to determine the role of this variant in disease. Therefore, it has been classified as a Variant of Uncertain Significance. Algorithms developed to predict the effect of sequence changes on RNA splicing suggest that this variant may create or strengthen a splice site, but this prediction has not been confirmed by published transcriptional studies. Algorithms developed to predict the effect of missense changes on protein structure and function (SIFT, PolyPhen-2, Align-GVGD) all suggest that this variant is likely to be disruptive, but these predictions have not been confirmed by published functional studies and their clinical significance is uncertain. This variant has not been reported in the literature in individuals with MYO3A-related conditions. This variant is not present in population databases (ExAC no frequency). This sequence change replaces aspartic acid with glutamic acid at codon 791 of the MYO3A protein (p.Asp791Glu). The aspartic acid residue is highly conserved and there is a small physicochemical difference between aspartic acid and glutamic acid.